The following is an entry in ClinVar:

ClinVar aggregate classification (germline): Uncertain significance. Review status: criteria provided, multiple submitters, no conflicts (2 of 4 stars). 2 submissions from 2 submitters: Uncertain significance (2). Last evaluated 2026-07-20.

Conditions:
TP63-Related Spectrum Disorders.
TP63-related disorder. Also called: TP63-related condition; TP63-Related Disorders. Identifiers: MedGen CN380159.

Allele frequency attached by ClinVar (database versions not stated): gnomAD exomes 0.00001.
gnomAD v4.1: 5 of 1,612,786 alleles (0.00031%); highest among the groups gnomAD compares: Admixed American, 0.0083%; no homozygotes.

Submissions (2):

PreventionGenetics, part of Exact Sciences
Classification: Uncertain significance for TP63-related condition. Last evaluated: 2026-07-20. Review status: criteria provided, single submitter. Criteria: ACMG Guidelines, 2015. Collection method: clinical testing. Allele origin: germline.
Comment: The TP63 c.26C>G variant is predicted to result in the amino acid substitution p.Ala9Gly. To our knowledge, this variant has not been reported in the literature. This variant is reported in 0.0087% of alleles in individuals of Latino descent in gnomAD. At this time, the clinical significance of this variant is uncertain due to the absence of conclusive functional and genetic evidence.

Labcorp Genetics (formerly Invitae), Labcorp
Classification: Uncertain significance. Last evaluated: 2025-01-30. Review status: criteria provided, single submitter. Criteria: Invitae Variant Classification Sherloc (09022015). Collection method: clinical testing. Allele origin: germline.
Comment: This sequence change replaces alanine, which is neutral and non-polar, with glycine, which is neutral and non-polar, at codon 9 of the TP63 protein (p.Ala9Gly). This variant is present in population databases (no rsID available, gnomAD 0.009%). This variant has not been reported in the literature in individuals affected with TP63-related conditions. ClinVar contains an entry for this variant (Variation ID: 2065057). Invitae Evidence Modeling incorporating data from in vitro experimental studies (internal data) indicates that this missense variant is not expected to disrupt TP63 function with a negative predictive value of 80%. In summary, the available evidence is currently insufficient to determine the role of this variant in disease. Therefore, it has been classified as a Variant of Uncertain Significance.

NM_003722.5(TP63):c.26C>G (p.Ala9Gly)

Gene: TP63 (tumor protein p63; plus strand). Cytogenetic location: 3q28.
Variant type: single nucleotide variant.
Coding change: c.26C>G on transcript NM_003722.5 (MANE Select); coding-DNA position 26, C replaced by G.
Protein change: p.Ala9Gly; replaces alanine 9 with glycine.
Molecular consequence: missense variant. On other transcripts: intron variant (1).
Genome position (GRCh38, 1-based): chr3:189,631,541, C>G. VCF-style: chr3-189631541-C-G. GRCh37 (hg19) VCF-style: chr3-189349330-C-G.
Other names: c.26C>G (NM_003722.4); c.26C>G, p.Ala9Gly (NM_001114978.2, NM_001114979.2, NM_001329144.2 and 1 more transcripts); c.56+34303C>G (NM_001329964.2); short protein forms A9G.
Identifiers: ClinVar variation 2065057 (VCV002065057.4), dbSNP rs1255910627, ClinGen allele CA355858661.